The following is an entry in ClinVar:

NM_022041.4(GAN):c.247A>G (p.Met83Val)

Gene: GAN (gigaxonin; plus strand). Cytogenetic location: 16q23.2.
Variant type: single nucleotide variant.
Coding change: c.247A>G on transcript NM_022041.4 (MANE Select); coding-DNA position 247, A replaced by G.
Protein change: p.Met83Val; replaces methionine 83 with valine.
Molecular consequence: missense variant. On other transcripts: intron variant (1).
Genome position (GRCh38, 1-based): chr16:81,351,662, A>G. VCF-style: chr16-81351662-A-G. GRCh37 (hg19) VCF-style: chr16-81385267-A-G.
Other names: c.-357-2743A>G (NM_001377486.1); short protein forms M83V.
Identifiers: ClinVar variation 956052 (VCV000956052.7), dbSNP rs770847887, ClinGen allele CA396865891.

ClinVar aggregate classification (germline): Uncertain significance (1 of 4 stars; one submission).

Conditions:
Giant axonal neuropathy 1 (GAN1). Also called: GAN-Related Neurodegeneration; GIANT AXONAL NEUROPATHY 1, AUTOSOMAL RECESSIVE. Identifiers: Orphanet 643, MedGen C1850386, MONDO:0009749, OMIM 256850.

Allele frequency attached by ClinVar (database versions not stated): TOPMed below 0.00001; gnomAD 0.00001.
gnomAD v4.1: 4 of 1,542,808 alleles (0.00026%); highest among the groups gnomAD compares: Non-Finnish European, 0.00036%; no homozygotes.

Submission:

Labcorp Genetics (formerly Invitae), Labcorp
Classification: Uncertain significance for Giant axonal neuropathy 1. Last evaluated: 2022-09-01. Review status: criteria provided, single submitter. Criteria: Invitae Variant Classification Sherloc (09022015). Collection method: clinical testing. Allele origin: germline.
Comment: This sequence change replaces methionine, which is neutral and non-polar, with valine, which is neutral and non-polar, at codon 83 of the GAN protein (p.Met83Val). This variant is present in population databases (no rsID available, gnomAD 0.0009%). This variant has not been reported in the literature in individuals affected with GAN-related conditions. ClinVar contains an entry for this variant (Variation ID: 956052). Algorithms developed to predict the effect of missense changes on protein structure and function are either unavailable or do not agree on the potential impact of this missense change (SIFT: "Deleterious"; PolyPhen-2: "Possibly Damaging"; Align-GVGD: "Class C0"). Algorithms developed to predict the effect of sequence changes on RNA splicing suggest that this variant may create or strengthen a splice site. In summary, the available evidence is currently insufficient to determine the role of this variant in disease. Therefore, it has been classified as a Variant of Uncertain Significance.